The following is an entry in ClinVar:

NM_001739.2(CA5A):c.782C>T (p.Ala261Val)

Gene: CA5A (carbonic anhydrase 5A; minus strand). Cytogenetic location: 16q24.2.
Variant type: single nucleotide variant.
Coding change: c.782C>T on transcript NM_001739.2 (MANE Select); coding-DNA position 782, C replaced by T.
Protein change: p.Ala261Val; replaces alanine 261 with valine.
Molecular consequence: missense variant. On other transcripts: non-coding transcript variant (2), intron variant (1).
Genome position (GRCh38, 1-based): chr16:87,888,265, G>A on the plus strand (C>T on the coding strand, the complement: CA5A is on the minus strand). VCF-style: chr16-87888265-G-A. GRCh37 (hg19) VCF-style: chr16-87921871-G-A.
Other names: c.782C>T (NM_001739.1); c.774+3534C>T (NM_001367225.1); short protein forms A261V.
Identifiers: ClinVar variation 1919855 (VCV001919855.7), dbSNP rs1457571520, ClinGen allele CA397039185.

ClinVar aggregate classification (germline): Uncertain significance. Review status: criteria provided, multiple submitters, no conflicts (2 of 4 stars). 3 submissions from 3 submitters: Uncertain significance (3). Last evaluated 2024-04-23.

Conditions:
Hyperammonemic encephalopathy due to carbonic anhydrase VA deficiency. Also called: Carbonic Anhydrase VA Deficiency; Carbonic anhydrase VA deficiency, hyperammonemia due to. Identifiers: Orphanet 401948, MedGen C4706871, MONDO:0014332, OMIM 615751.
Inborn genetic diseases. Identifiers: MedGen C0950123, MeSH D030342.

Allele frequency attached by ClinVar (database versions not stated): TOPMed below 0.00001; gnomAD 0.00001; gnomAD exomes 0.00001.
gnomAD v4.1: 14 of 1,612,890 alleles (0.00087%); highest among the groups gnomAD compares: Admixed American, 0.0017%; no homozygotes.

Submissions (3):

Blueprint Genetics
Classification: Uncertain significance. Last evaluated: 2024-04-23. Review status: criteria provided, single submitter. Criteria: ACMG Guidelines, 2015. Collection method: clinical testing. Allele origin: germline.

Ambry Genetics
Classification: Uncertain significance for Inborn genetic diseases. Last evaluated: 2024-01-04. Review status: criteria provided, single submitter. Criteria: Ambry Variant Classification Scheme 2023. Collection method: clinical testing. Allele origin: germline.

Labcorp Genetics (formerly Invitae), Labcorp
Classification: Uncertain significance for Hyperammonemic encephalopathy due to carbonic anhydrase VA deficiency. Last evaluated: 2022-08-22. Review status: criteria provided, single submitter. Criteria: Invitae Variant Classification Sherloc (09022015). Collection method: clinical testing. Allele origin: germline.
Comment: In summary, the available evidence is currently insufficient to determine the role of this variant in disease. Therefore, it has been classified as a Variant of Uncertain Significance. Algorithms developed to predict the effect of missense changes on protein structure and function (SIFT, PolyPhen-2, Align-GVGD) all suggest that this variant is likely to be tolerated. This variant has not been reported in the literature in individuals affected with CA5A-related conditions. This variant is present in population databases (no rsID available, gnomAD 0.0009%). This sequence change replaces alanine, which is neutral and non-polar, with valine, which is neutral and non-polar, at codon 261 of the CA5A protein (p.Ala261Val).